The following is an entry in ClinVar:

ClinVar aggregate classification (germline): Likely benign. Review status: criteria provided, multiple submitters, no conflicts (2 of 4 stars). 4 submissions from 4 submitters: Likely benign (4). Last evaluated 2026-06-01.

Conditions:
Hereditary cancer-predisposing syndrome. Also called: Hereditary neoplastic syndrome; Tumor predisposition; Neoplastic Syndromes, Hereditary; Hereditary Cancer Syndrome. Identifiers: Orphanet 140162, MedGen C0027672, MeSH D009386, MONDO:0015356.
Neuroblastoma, susceptibility to, 3. Also called: ALK-Related Neuroblastic Tumor Susceptibility. Identifiers: Orphanet 635, MedGen C2751681, MONDO:0013083, OMIM 613014.

Allele frequency attached by ClinVar (database versions not stated): gnomAD 0.00001; gnomAD exomes 0.00001 and below 0.00001; ExAC 0.00001; TOPMed 0.00002.
gnomAD v4.1: 4 of 1,613,612 alleles (0.00025%); highest among the groups gnomAD compares: Non-Finnish European, 0.00025%; no homozygotes.

Submissions (4):

CeGaT Center for Human Genetics Tuebingen
Classification: Likely benign. Last evaluated: 2026-06-01. Review status: criteria provided, single submitter. Criteria: CeGaT Center For Human Genetics Tuebingen Variant Classification Criteria Version 2. Collection method: clinical testing. Allele origin: germline. Affected: yes. Observed: 1 variant allele.
Comment: ALK: BP4, BP7

Labcorp Genetics (formerly Invitae), Labcorp
Classification: Likely benign for Neuroblastoma, susceptibility to, 3. Last evaluated: 2025-09-29. Review status: criteria provided, single submitter. Criteria: Invitae Variant Classification Sherloc (09022015). Collection method: clinical testing. Allele origin: germline.

Blueprint Genetics
Classification: Likely benign. Last evaluated: 2024-06-04. Review status: criteria provided, single submitter. Criteria: ACMG Guidelines, 2015. Collection method: clinical testing. Allele origin: germline.

Ambry Genetics
Classification: Likely benign for Hereditary cancer-predisposing syndrome. Last evaluated: 2022-05-28. Review status: criteria provided, single submitter. Criteria: Ambry Variant Classification Scheme 2023. Collection method: clinical testing. Allele origin: germline.

NM_004304.5(ALK):c.663G>C (p.Gly221=)

Gene: ALK (ALK receptor tyrosine kinase; minus strand). Cytogenetic location: 2p23.1.
Variant type: single nucleotide variant.
Coding change: c.663G>C on transcript NM_004304.5 (MANE Select); coding-DNA position 663, G replaced by C.
Protein change: p.Gly221=; no amino-acid change (glycine 221 retained).
Molecular consequence: synonymous variant.
Genome position (GRCh38, 1-based): chr2:29,919,997, C>G on the plus strand (G>C on the coding strand, the complement: ALK is on the minus strand). VCF-style: chr2-29919997-C-G. GRCh37 (hg19) VCF-style: chr2-30142863-C-G.
Identifiers: ClinVar variation 470894 (VCV000470894.17), dbSNP rs762819109, ClinGen allele CA1594925.
Genomic context (GRCh38, chr2:29,919,997, plus strand): 5'-ATATCAATGTGACTAAAAACACTAAATCCCGGCACACTCAGGCGGGAGCTGCTCACCAGT[C>G]CCGAAGATCTGGAAGAGAAGGCGGGGCTGGGAGGCGCGAATTGCCGCGGACAGCCTTCCC-3'
Protein context (NP_004295.2, residues 211-231): SQPRLLFQIF[Gly221=]TGHSSLESPT